The following is an entry in ClinVar:

ClinVar aggregate classification (germline): Uncertain significance (1 of 4 stars; one submission).

Conditions:
Hereditary cancer-predisposing syndrome. Also called: Tumor predisposition; Neoplastic Syndromes, Hereditary; Hereditary Cancer Syndrome; Hereditary neoplastic syndrome. Identifiers: Orphanet 140162, MedGen C0027672, MeSH D009386, MONDO:0015356.

gnomAD v4.1: 2 of 1,613,948 alleles (0.00012%); highest among the groups gnomAD compares: Non-Finnish European, 0.00017%; no homozygotes.

Submission:

Ambry Genetics
Classification: Uncertain significance for Hereditary cancer-predisposing syndrome. Last evaluated: 2024-10-20. Review status: criteria provided, single submitter. Criteria: Ambry Variant Classification Scheme 2023. Collection method: clinical testing. Allele origin: germline.
Comment: The p.D773H variant (also known as c.2317G>C), located in coding exon 15 of the BRIP1 gene, results from a G to C substitution at nucleotide position 2317. The aspartic acid at codon 773 is replaced by histidine, an amino acid with similar properties. This amino acid position is conserved. In addition, this alteration is predicted to be deleterious by in silico analysis. Based on the available evidence, the clinical significance of this variant remains unclear.

NM_032043.3(BRIP1):c.2317G>C (p.Asp773His)

Gene: BRIP1 (BRCA1 interacting DNA helicase 1; minus strand). Cytogenetic location: 17q23.2.
Variant type: single nucleotide variant.
Coding change: c.2317G>C on transcript NM_032043.3 (MANE Select); coding-DNA position 2317, G replaced by C.
Protein change: p.Asp773His; replaces aspartic acid 773 with histidine.
Molecular consequence: missense variant.
Genome position (GRCh38, 1-based): chr17:61,743,075, C>G on the plus strand (G>C on the coding strand, the complement: BRIP1 is on the minus strand). VCF-style: chr17-61743075-C-G. GRCh37 (hg19) VCF-style: chr17-59820436-C-G.
Other names: short protein forms D773H.
Identifiers: ClinVar variation 3482465 (VCV003482465.1).
Genomic context (GRCh38, chr17:61,743,075, plus strand): 5'-GTAGATCTTTCACATTTGGAAAAGGAATTCCTATTGTTATGACAGCACGGGCATTGTCAT[C>G]TGAGAAATCCAGACCCTCACTCACTTTACCACGACAAACTGCTACCAGGAGAGCTCCATC-3'
Protein context (NP_114432.2, residues 763-783): GKVSEGLDFS[Asp773His]DNARAVITIG